The following is an entry in ClinVar:

ClinVar aggregate classification (germline): Conflicting classifications of pathogenicity. Review status: criteria provided, conflicting classifications (1 of 4 stars). 2 submissions from 2 submitters: Uncertain significance (1); Likely benign (1). Last evaluated 2026-07-01.

Conditions:
Dextro-looped transposition of the great arteries. Also called: Dextrotransposition of the great arteries. Identifiers: Orphanet 860, MedGen C3531771, MONDO:0019443, OMIM 608808, HP:0031348.

Allele frequency attached by ClinVar (database versions not stated): ExAC 0.00004; TOPMed 0.00004; gnomAD 0.00005.
gnomAD v4.1: 87 of 1,613,954 alleles (0.0054%); highest among the groups gnomAD compares: Non-Finnish European, 0.0071%; no homozygotes.

Submissions (2):

CeGaT Center for Human Genetics Tuebingen
Classification: Likely benign. Last evaluated: 2026-07-01. Review status: criteria provided, single submitter. Criteria: CeGaT Center For Human Genetics Tuebingen Variant Classification Criteria Version 2. Collection method: clinical testing. Allele origin: germline. Affected: yes. Observed: 2 variant alleles.
Comment: MED13L: BS2

Labcorp Genetics (formerly Invitae), Labcorp
Classification: Uncertain significance for Dextro-looped transposition of the great arteries. Last evaluated: 2025-10-07. Review status: criteria provided, single submitter. Criteria: Invitae Variant Classification Sherloc (09022015). Collection method: clinical testing. Allele origin: germline.
Comment: This sequence change replaces leucine, which is neutral and non-polar, with phenylalanine, which is neutral and non-polar, at codon 517 of the MED13L protein (p.Leu517Phe). This variant is present in population databases (rs765566328, gnomAD 0.008%). This variant has not been reported in the literature in individuals affected with MED13L-related conditions. ClinVar contains an entry for this variant (Variation ID: 2882449). Invitae Evidence Modeling of protein sequence and biophysical properties (such as structural, functional, and spatial information, amino acid conservation, physicochemical variation, residue mobility, and thermodynamic stability) indicates that this missense variant is not expected to disrupt MED13L protein function with a negative predictive value of 80%. In summary, the available evidence is currently insufficient to determine the role of this variant in disease. Therefore, it has been classified as a Variant of Uncertain Significance.

NM_015335.5(MED13L):c.1551A>C (p.Leu517Phe)

Gene: MED13L (mediator complex subunit 13L; minus strand). Cytogenetic location: 12q24.21.
Variant type: single nucleotide variant.
Coding change: c.1551A>C on transcript NM_015335.5 (MANE Select); coding-DNA position 1551, A replaced by C.
Protein change: p.Leu517Phe; replaces leucine 517 with phenylalanine.
Molecular consequence: missense variant.
Genome position (GRCh38, 1-based): chr12:116,008,862, T>G on the plus strand (A>C on the coding strand, the complement: MED13L is on the minus strand). VCF-style: chr12-116008862-T-G. GRCh37 (hg19) VCF-style: chr12-116446667-T-G.
Other names: short protein forms L517F.
Identifiers: ClinVar variation 2882449 (VCV002882449.8), dbSNP rs765566328, ClinGen allele CA6811400.